The following is an entry in ClinVar:

ClinVar aggregate classification (germline): Uncertain significance (1 of 4 stars; one submission).

Conditions:
Hypertrophic cardiomyopathy 2. Also called: TNNT2-Related Familial Hypertrophic Cardiomyopathy. Identifiers: MedGen C1861864, MONDO:0007266, OMIM 115195.
Dilated cardiomyopathy 1D. Identifiers: Orphanet 154, Orphanet 54260, MedGen C1832243, MONDO:0011095, OMIM 601494.
Cardiomyopathy, familial restrictive, 3. Identifiers: Orphanet 75249, MedGen C2676271, MONDO:0012900, OMIM 612422.

Submission:

Labcorp Genetics (formerly Invitae), Labcorp
Classification: Uncertain significance for Cardiomyopathy, familial restrictive, 3; Hypertrophic cardiomyopathy 2; Dilated cardiomyopathy 1D. Last evaluated: 2023-07-17. Review status: criteria provided, single submitter. Criteria: Invitae Variant Classification Sherloc (09022015). Collection method: clinical testing. Allele origin: germline.
Comment: In summary, the available evidence is currently insufficient to determine the role of this variant in disease. Therefore, it has been classified as a Variant of Uncertain Significance. Advanced modeling of protein sequence and biophysical properties (such as structural, functional, and spatial information, amino acid conservation, physicochemical variation, residue mobility, and thermodynamic stability) performed at Invitae indicates that this missense variant is expected to disrupt TNNT2 protein function. This variant has not been reported in the literature in individuals affected with TNNT2-related conditions. This variant is not present in population databases (gnomAD no frequency). This sequence change replaces aspartic acid, which is acidic and polar, with histidine, which is basic and polar, at codon 98 of the TNNT2 protein (p.Asp98His).

NM_001276345.2(TNNT2):c.322G>C (p.Asp108His)

Gene: TNNT2 (troponin T2, cardiac type; minus strand). Cytogenetic location: 1q32.1.
Variant type: single nucleotide variant.
Coding change: c.322G>C on transcript NM_001276345.2 (MANE Select); coding-DNA position 322, G replaced by C.
Protein change: p.Asp108His; replaces aspartic acid 108 with histidine.
Molecular consequence: missense variant. On other transcripts: intron variant (1).
Genome position (GRCh38, 1-based): chr1:201,365,280, C>G on the plus strand (G>C on the coding strand, the complement: TNNT2 is on the minus strand). VCF-style: chr1-201365280-C-G. GRCh37 (hg19) VCF-style: chr1-201334408-C-G.
Other names: c.322G>C, p.Asp108His (NM_000364.4, NM_001406723.1); c.292G>C, p.Asp98His (NM_001001430.3, NM_001001431.3, NM_001276347.2 and 3 more transcripts); c.277G>C, p.Asp93His (NM_001001432.3, NM_001406728.1); c.289G>C, p.Asp97His (NM_001406725.1); c.291+330G>C (NM_001276346.2); short protein forms D97H, D98H, D108H, D93H.
Identifiers: ClinVar variation 2947074 (VCV002947074.3), dbSNP rs2527016457, ClinGen allele CA344206505.